The following is an entry in ClinVar:

ClinVar aggregate classification (germline): Uncertain significance (1 of 4 stars; one submission).

Conditions:
Glycogen storage disease type III (GSD3). Also called: FORBES DISEASE; Cori disease. Identifiers: Orphanet 366, MedGen C0017922, MONDO:0009291, OMIM 232400.

Submission:

Labcorp Genetics (formerly Invitae), Labcorp
Classification: Uncertain significance for Glycogen storage disease type III. Last evaluated: 2021-09-02. Review status: criteria provided, single submitter. Criteria: Invitae Variant Classification Sherloc (09022015). Collection method: clinical testing. Allele origin: germline.
Comment: This sequence change replaces lysine with glutamic acid at codon 297 of the AGL protein (p.Lys297Glu). The lysine residue is weakly conserved and there is a small physicochemical difference between lysine and glutamic acid. This variant is not present in population databases (ExAC no frequency). This variant has not been reported in the literature in individuals affected with AGL-related conditions. Algorithms developed to predict the effect of missense changes on protein structure and function (SIFT, PolyPhen-2, Align-GVGD) all suggest that this variant is likely to be tolerated. In summary, the available evidence is currently insufficient to determine the role of this variant in disease. Therefore, it has been classified as a Variant of Uncertain Significance.

NM_000642.3(AGL):c.889A>G (p.Lys297Glu)

Gene: AGL (amylo-alpha-1,6-glucosidase and 4-alpha-glucanotransferase; plus strand). Cytogenetic location: 1p21.2.
Variant type: single nucleotide variant.
Coding change: c.889A>G on transcript NM_000642.3 (MANE Select); coding-DNA position 889, A replaced by G.
Protein change: p.Lys297Glu; replaces lysine 297 with glutamic acid.
Molecular consequence: missense variant.
Genome position (GRCh38, 1-based): chr1:99,870,800, A>G. VCF-style: chr1-99870800-A-G. GRCh37 (hg19) VCF-style: chr1-100336356-A-G.
Other names: c.889A>G, p.Lys297Glu (NM_000028.3, NM_000643.3, NM_000644.3 and 3 more transcripts); c.841A>G, p.Lys281Glu (NM_000646.3); c.685A>G, p.Lys229Glu (NM_001425328.1, NM_001425329.1); c.511A>G, p.Lys171Glu (NM_001425332.1); short protein forms K281E, K297E, K171E, K229E.
Identifiers: ClinVar variation 1484184 (VCV001484184.5), dbSNP rs2101113398, ClinGen allele CA341341474.